The following is an entry in ClinVar:

NM_173651.4(FSIP2):c.15982del (p.Ile5328fs)

Gene: FSIP2 (fibrous sheath interacting protein 2; plus strand). Cytogenetic location: 2q32.1.
Variant type: Deletion.
Coding change: c.15982del on transcript NM_173651.4 (MANE Select); coding-DNA position 15982, one base deleted (A; older notation c.15982delA).
Protein change: p.Ile5328fs; shifts the reading frame from isoleucine 5328.
Molecular consequence: frameshift variant.
Genome position (GRCh38, 1-based): chr2:185,805,288, A deleted. VCF-style (leftmost placement, unchanged base first): chr2-185805287-TA-T. GRCh37 (hg19) VCF-style: chr2-186670014-TA-T.
Other names: short protein forms I5328fs.
Identifiers: ClinVar variation 3352098 (VCV003352098.1).

ClinVar aggregate classification (germline): Likely pathogenic (0 of 4 stars; one submission).

Conditions:
FSIP2-related disorder. Also called: FSIP2-related condition.

Submission:

PreventionGenetics, part of Exact Sciences
Classification: Likely pathogenic for FSIP2-related condition. Last evaluated: 2024-06-10. Review status: no assertion criteria provided. Collection method: clinical testing. Allele origin: germline.
Comment: The FSIP2 c.15982delA variant is predicted to result in a frameshift and premature protein termination (p.Ile5328Leufs*33). To our knowledge, this variant has not been reported in the literature. This variant is reported in 0.13% of alleles in individuals of Ashkenazi Jewish descent in gnomAD. Frameshift variants in FSIP2 are expected to be pathogenic. This variant is interpreted as likely pathogenic.